The following is an entry in ClinVar:

NM_001042492.3(NF1):c.7513G>C (p.Ala2505Pro)

Gene: NF1 (neurofibromin 1; plus strand). Cytogenetic location: 17q11.2.
Variant type: single nucleotide variant.
Coding change: c.7513G>C on transcript NM_001042492.3 (MANE Select); coding-DNA position 7513, G replaced by C.
Protein change: p.Ala2505Pro; replaces alanine 2505 with proline.
Molecular consequence: missense variant.
Genome position (GRCh38, 1-based): chr17:31,352,312, G>C. VCF-style: chr17-31352312-G-C. GRCh37 (hg19) VCF-style: chr17-29679330-G-C.
Other names: c.7450G>C, p.Ala2484Pro (NM_000267.4); short protein forms A2484P, A2505P.
Identifiers: ClinVar variation 186443 (VCV000186443.14), dbSNP rs786202955, ClinGen allele CA194823.

ClinVar aggregate classification (germline): Uncertain significance. Review status: criteria provided, multiple submitters, no conflicts (2 of 4 stars). 6 submissions from 5 submitters: Uncertain significance (6). Last evaluated 2024-04-08.

Conditions:
Hereditary cancer-predisposing syndrome. Also called: Hereditary Cancer Syndrome; Neoplastic Syndromes, Hereditary; Tumor predisposition; Hereditary neoplastic syndrome. Identifiers: Orphanet 140162, MedGen C0027672, MeSH D009386, MONDO:0015356.
Cardiovascular phenotype. Identifiers: MedGen CN230736.
Juvenile myelomonocytic leukemia (JMML). Also called: LEUKEMIA, JUVENILE MYELOMONOCYTIC, SOMATIC. Identifiers: Orphanet 86834, MedGen C0349639, MONDO:0011908, OMIM 607785, HP:0012209.
Café-au-lait macules with pulmonary stenosis (WTSN). Also called: PULMONIC STENOSIS WITH CAFE-AU-LAIT SPOTS. Identifiers: MedGen C0553586, MONDO:0008672, OMIM 193520.
Neurofibromatosis, type 1 (NF1). Also called: NEUROFIBROMATOSIS, TYPE I, SOMATIC; VON RECKLINGHAUSEN DISEASE; Peripheral type neurofibromatosis; Neurofibromatosis, type I. Identifiers: Orphanet 636, MedGen C0027831, MONDO:0018975, OMIM 162200. Disease mechanism: loss of function.
Neurofibromatosis-Noonan syndrome (NFNS). Also called: NEUROFIBROMATOSIS WITH NOONAN PHENOTYPE. Identifiers: Orphanet 638, MedGen C2931482, MONDO:0011035, OMIM 601321. Disease mechanism: loss of function.
Neurofibromatosis, familial spinal (FSNF). Identifiers: Orphanet 636, MedGen C1834235, MONDO:0008078, OMIM 162210. Disease mechanism: loss of function.

Allele frequency attached by ClinVar (database versions not stated): gnomAD exomes below 0.00001.
gnomAD v4.1: 1 of 1,614,098 alleles (0.000062%); highest among the groups gnomAD compares: Non-Finnish European, 0.000085%; no homozygotes.

Submissions (6):

Fulgent Genetics
Classification: Uncertain significance for Neurofibromatosis, type 1; Neurofibromatosis, familial spinal; Café-au-lait macules with pulmonary stenosis; Neurofibromatosis-Noonan syndrome; Juvenile myelomonocytic leukemia. Last evaluated: 2024-04-08. Review status: criteria provided, single submitter. Criteria: ACMG Guidelines, 2015. Collection method: clinical testing. Allele origin: germline.

Labcorp Genetics (formerly Invitae), Labcorp
Classification: Uncertain significance for Neurofibromatosis, type 1. Last evaluated: 2024-02-25. Review status: criteria provided, single submitter. Criteria: Invitae Variant Classification Sherloc (09022015). Collection method: clinical testing. Allele origin: germline.
Comment: This sequence change replaces alanine, which is neutral and non-polar, with proline, which is neutral and non-polar, at codon 2484 of the NF1 protein (p.Ala2484Pro). This variant is not present in population databases (gnomAD no frequency). This variant has not been reported in the literature in individuals affected with NF1-related conditions. ClinVar contains an entry for this variant (Variation ID: 186443). Advanced modeling of protein sequence and biophysical properties (such as structural, functional, and spatial information, amino acid conservation, physicochemical variation, residue mobility, and thermodynamic stability) performed at Invitae indicates that this missense variant is not expected to disrupt NF1 protein function with a negative predictive value of 95%. In summary, the available evidence is currently insufficient to determine the role of this variant in disease. Therefore, it has been classified as a Variant of Uncertain Significance.

Baylor Genetics
Classification: Uncertain significance for Juvenile myelomonocytic leukemia. Last evaluated: 2023-08-11. Review status: criteria provided, single submitter. Criteria: ACMG Guidelines, 2015. Collection method: clinical testing. Allele origin: unknown.

Genome-Nilou Lab
Classification: Uncertain significance for Neurofibromatosis, type 1. Last evaluated: 2022-03-15. Review status: criteria provided, single submitter. Criteria: ACMG Guidelines, 2015. Collection method: clinical testing. Allele origin: germline. Affected: no.

Ambry Genetics
Classification: Uncertain significance for Cardiovascular phenotype; Hereditary cancer-predisposing syndrome. Last evaluated: 2017-08-17. Review status: criteria provided, single submitter. Criteria: Ambry Variant Classification Scheme 2023. Collection method: clinical testing. Allele origin: germline.

Ambry Genetics
Classification: Uncertain significance for Hereditary cancer-predisposing syndrome. Last evaluated: 2014-10-08. Review status: criteria provided, single submitter. Criteria: Ambry Autosomal Dominant and X-Linked criteria (10/2015). Collection method: clinical testing. Allele origin: germline. Observed: 1 variant allele.
Comment: The p.A2505P variant (also known as c.7513G>C), located in coding exon 51 of the NF1 gene, results from a G to C substitution at nucleotide position 7513. The alanine at codon 2505 is replaced by proline, an amino acid with highly similar properties. This variant was not reported in population based cohorts in the following databases: Database of Single Nucleotide Polymorphisms (dbSNP), NHLBI Exome Sequencing Project (ESP), and 1000 Genomes Project. In the ESP, this variant was not observed in 6503 samples (13006 alleles) with coverage at this position. To date, this alteration has been detected with an allele frequency of approximately 0.01% (greater than 11,000 alleles tested) in our clinical cohort. This amino acid position is well conserved in available vertebrate species. In addition, this alteration is predicted to be tolerated by in silico analysis. Since supporting evidence is limited at this time, the clinical significance of p.A2505P remains unclear.